The following is an entry in ClinVar:

NM_014861.4(ATP2C2):c.304G>A (p.Val102Met)

Gene: ATP2C2 (ATPase secretory pathway Ca2+ transporting 2; plus strand). Cytogenetic location: 16q24.1.
Variant type: single nucleotide variant.
Coding change: c.304G>A on transcript NM_014861.4 (MANE Select); coding-DNA position 304, G replaced by A.
Protein change: p.Val102Met; replaces valine 102 with methionine.
Molecular consequence: missense variant.
Genome position (GRCh38, 1-based): chr16:84,405,221, G>A. VCF-style: chr16-84405221-G-A. GRCh37 (hg19) VCF-style: chr16-84438827-G-A.
Other names: c.304G>A, p.Val102Met (NM_001286527.3); short protein forms V102M.
Identifiers: ClinVar variation 547871 (VCV000547871.33), dbSNP rs78887288, ClinGen allele CA8206550.

ClinVar aggregate classification (germline): Conflicting classifications of pathogenicity. Review status: criteria provided, conflicting classifications (1 of 4 stars). 3 submissions from 3 submitters: Uncertain significance (1); Likely benign (2). Last evaluated 2026-07-01.

Allele frequency attached by ClinVar (database versions not stated): 1000 Genomes Project 0.00100; 1000 Genomes Project 30x 0.00125; TOPMed 0.00463; gnomAD 0.00468 and 0.00494; ExAC 0.00469; gnomAD exomes 0.00481; ESP Exome Variant Server 0.00502.
gnomAD v4.1: 10,008 of 1,614,018 alleles (0.62%); highest among the groups gnomAD compares: Non-Finnish European, 0.74%; 39 homozygotes.

Submissions (3):

CeGaT Center for Human Genetics Tuebingen
Classification: Likely benign. Last evaluated: 2026-07-01. Review status: criteria provided, single submitter. Criteria: CeGaT Center For Human Genetics Tuebingen Variant Classification Criteria Version 2. Collection method: clinical testing. Allele origin: germline. Affected: yes. Observed: 4 variant alleles.
Comment: ATP2C2: BP4, BS2

Labcorp Genetics (formerly Invitae), Labcorp
Classification: Likely benign. Last evaluated: 2018-12-03. Review status: criteria provided, single submitter. Criteria: Invitae Variant Classification Sherloc (09022015). Collection method: clinical testing. Allele origin: germline.

Mayo Clinic Laboratories, Mayo Clinic
Classification: Uncertain significance. Last evaluated: 2016-09-30. Review status: criteria provided, single submitter. Criteria: ACMG Guidelines, 2015. Collection method: clinical testing. Allele origin: maternal.